The following is an entry in ClinVar:

ClinVar aggregate classification (germline): Uncertain significance. Review status: criteria provided, multiple submitters, no conflicts (2 of 4 stars). 5 submissions from 5 submitters: Uncertain significance (5). Last evaluated 2026-05-07.

Conditions:
Polycystic kidney disease 8. Identifiers: MedGen C5935640, MONDO:0971178, OMIM 620903.
Nephronophthisis 9 (NPHP9). Identifiers: Orphanet 655, MedGen C3151188, MONDO:0013444, OMIM 613824.
Renal-hepatic-pancreatic dysplasia 2 (RHPD2). Identifiers: MedGen C3809434, MONDO:0014174, OMIM 615415.
Inborn genetic diseases. Identifiers: MedGen C0950123, MeSH D030342.
NEK8-related disorder. Also called: NEK8-related condition.

Allele frequency attached by ClinVar (database versions not stated): ExAC 0.00008; gnomAD exomes 0.00009; TOPMed 0.00012; gnomAD 0.00013 and 0.00014; ESP Exome Variant Server 0.00023.
gnomAD v4.1: 420 of 1,614,002 alleles (0.026%); highest among the groups gnomAD compares: Non-Finnish European, 0.034%; no homozygotes.

Submissions (5):

PreventionGenetics, part of Exact Sciences
Classification: Uncertain significance for NEK8-related condition. Last evaluated: 2026-05-07. Review status: criteria provided, single submitter. Criteria: ACMG Guidelines, 2015. Collection method: clinical testing. Allele origin: germline.
Comment: The NEK8 c.1145C>T variant is predicted to result in the amino acid substitution p.Ser382Leu. To our knowledge, this variant has not been reported in the literature. This variant is reported in 0.018% of alleles in individuals of European (Non-Finnish) descent in gnomAD. At this time, the clinical significance of this variant is uncertain due to the absence of conclusive functional and genetic evidence.

Labcorp Genetics (formerly Invitae), Labcorp
Classification: Uncertain significance for Nephronophthisis 9. Last evaluated: 2025-04-08. Review status: criteria provided, single submitter. Criteria: Invitae Variant Classification Sherloc (09022015). Collection method: clinical testing. Allele origin: germline.
Comment: This sequence change replaces serine, which is neutral and polar, with leucine, which is neutral and non-polar, at codon 382 of the NEK8 protein (p.Ser382Leu). This variant is present in population databases (rs146989750, gnomAD 0.02%). This variant has not been reported in the literature in individuals affected with NEK8-related conditions. ClinVar contains an entry for this variant (Variation ID: 891258). An algorithm developed to predict the effect of missense changes on protein structure and function (PolyPhen-2) suggests that this variant is likely to be tolerated. In summary, the available evidence is currently insufficient to determine the role of this variant in disease. Therefore, it has been classified as a Variant of Uncertain Significance.

Fulgent Genetics
Classification: Uncertain significance for Nephronophthisis 9; Renal-hepatic-pancreatic dysplasia 2; Polycystic kidney disease 8. Last evaluated: 2024-06-17. Review status: criteria provided, single submitter. Criteria: ACMG Guidelines, 2015. Collection method: clinical testing. Allele origin: germline.

Ambry Genetics
Classification: Uncertain significance for Inborn genetic diseases. Last evaluated: 2021-08-09. Review status: criteria provided, single submitter. Criteria: Ambry Variant Classification Scheme 2023. Collection method: clinical testing. Allele origin: germline.

Illumina Laboratory Services, Illumina
Classification: Uncertain significance for Nephronophthisis 9. Last evaluated: 2018-01-13. Review status: criteria provided, single submitter. Criteria: ICSL Variant Classification Criteria 13 December 2019. Collection method: clinical testing. Allele origin: germline.

NM_178170.3(NEK8):c.1145C>T (p.Ser382Leu)

Gene: NEK8 (NIMA related kinase 8; plus strand). Cytogenetic location: 17q11.2.
Variant type: single nucleotide variant.
Coding change: c.1145C>T on transcript NM_178170.3 (MANE Select); coding-DNA position 1145, C replaced by T.
Protein change: p.Ser382Leu; replaces serine 382 with leucine.
Molecular consequence: missense variant.
Genome position (GRCh38, 1-based): chr17:28,738,168, C>T. VCF-style: chr17-28738168-C-T. GRCh37 (hg19) VCF-style: chr17-27065186-C-T.
Other names: short protein forms S382L.
Identifiers: ClinVar variation 891258 (VCV000891258.10), dbSNP rs146989750, ClinGen allele CA8467316.